The following is an entry in ClinVar:

NM_032043.3(BRIP1):c.500C>A (p.Thr167Lys)

Gene: BRIP1 (BRCA1 interacting DNA helicase 1; minus strand). Cytogenetic location: 17q23.2.
Variant type: single nucleotide variant.
Coding change: c.500C>A on transcript NM_032043.3 (MANE Select); coding-DNA position 500, C replaced by A.
Protein change: p.Thr167Lys; replaces threonine 167 with lysine.
Molecular consequence: missense variant.
Genome position (GRCh38, 1-based): chr17:61,849,136, G>T on the plus strand (C>A on the coding strand, the complement: BRIP1 is on the minus strand). VCF-style: chr17-61849136-G-T. GRCh37 (hg19) VCF-style: chr17-59926497-G-T.
Other names: short protein forms T167K.
Identifiers: ClinVar variation 961850 (VCV000961850.10), dbSNP rs758218234, ClinGen allele CA400484360.

ClinVar aggregate classification (germline): Uncertain significance (1 of 4 stars; one submission).

Conditions:
Familial cancer of breast. Also called: Hereditary breast cancer; BREAST CANCER, FAMILIAL; hereditary breast carcinoma. Identifiers: Orphanet 227535, MedGen C0346153, MONDO:0016419, OMIM 114480. Disease mechanism: loss of function.
Fanconi anemia complementation group J. Also called: BRIP1-Related Fanconi Anemia. Identifiers: Orphanet 84, MedGen C1836860, MONDO:0012187, OMIM 609054.

Submission:

Labcorp Genetics (formerly Invitae), Labcorp
Classification: Uncertain significance for Familial cancer of breast; Fanconi anemia complementation group J. Last evaluated: 2019-07-29. Review status: criteria provided, single submitter. Criteria: Invitae Variant Classification Sherloc (09022015). Collection method: clinical testing. Allele origin: germline.
Comment: In summary, the available evidence is currently insufficient to determine the role of this variant in disease. Therefore, it has been classified as a Variant of Uncertain Significance. Algorithms developed to predict the effect of missense changes on protein structure and function output the following: SIFT: "Tolerated"; PolyPhen-2: "Benign"; Align-GVGD: "Class C0". The lysine amino acid residue is found in multiple mammalian species, suggesting that this missense change does not adversely affect protein function. These predictions have not been confirmed by published functional studies and their clinical significance is uncertain. This variant has not been reported in the literature in individuals with BRIP1-related conditions. This variant is not present in population databases (ExAC no frequency). This sequence change replaces threonine with lysine at codon 167 of the BRIP1 protein (p.Thr167Lys). The threonine residue is weakly conserved and there is a moderate physicochemical difference between threonine and lysine.